The following is an entry in ClinVar:

ClinVar aggregate classification (germline): Uncertain significance. Review status: criteria provided, multiple submitters, no conflicts (2 of 4 stars). 2 submissions from 2 submitters: Uncertain significance (2). Last evaluated 2025-09-10.

Conditions:
Inborn genetic diseases. Identifiers: MedGen C0950123, MeSH D030342.

Allele frequency attached by ClinVar (database versions not stated): ExAC 0.00002; gnomAD 0.00003; TOPMed 0.00005.
gnomAD v4.1: 96 of 1,613,920 alleles (0.0059%); highest among the groups gnomAD compares: Admixed American, 0.0083%; no homozygotes.

Submissions (2):

Ambry Genetics
Classification: Uncertain significance for Inborn genetic diseases. Last evaluated: 2025-09-10. Review status: criteria provided, single submitter. Criteria: Ambry Variant Classification Scheme 2023. Collection method: clinical testing. Allele origin: germline.

GeneDx
Classification: Uncertain significance. Last evaluated: 2022-09-09. Review status: criteria provided, single submitter. Criteria: GeneDx Variant Classification Process June 2021. Collection method: clinical testing. Allele origin: germline. Affected: yes.
Comment: In silico analysis, which includes protein predictors and evolutionary conservation, supports a deleterious effect; Has not been previously published as pathogenic or benign to our knowledge

NM_001080476.3(GRXCR1):c.851G>A (p.Arg284His)

Gene: GRXCR1 (glutaredoxin and cysteine rich domain containing 1; plus strand). Cytogenetic location: 4p13.
Variant type: single nucleotide variant.
Coding change: c.851G>A on transcript NM_001080476.3 (MANE Select); coding-DNA position 851, G replaced by A.
Protein change: p.Arg284His; replaces arginine 284 with histidine.
Molecular consequence: missense variant.
Genome position (GRCh38, 1-based): chr4:43,030,518, G>A. VCF-style: chr4-43030518-G-A. GRCh37 (hg19) VCF-style: chr4-43032535-G-A.
Other names: short protein forms R284H.
Identifiers: ClinVar variation 1704971 (VCV001704971.5), dbSNP rs769123480, ClinGen allele CA2904543.